The following is an entry in ClinVar:

ClinVar aggregate classification (germline): Likely benign. Review status: criteria provided, multiple submitters, no conflicts (2 of 4 stars). 7 submissions from 7 submitters: Likely benign (7). Last evaluated 2026-01-28.

Conditions:
TTN-related disorder. Also called: TTN-related condition; TTN-related disease; TTN-related disorders.
Cardiovascular phenotype. Identifiers: MedGen CN230736.
Dilated cardiomyopathy 1G (CMD1G). Identifiers: Orphanet 154, MedGen C1858763, MONDO:0011400, OMIM 604145.
Autosomal recessive limb-girdle muscular dystrophy type 2J (LGMDR10). Also called: Limb-girdle muscular dystrophy, type 2J; MUSCULAR DYSTROPHY, LIMB-GIRDLE, AUTOSOMAL RECESSIVE 10. Identifiers: Orphanet 140922, MedGen C1837342, MONDO:0012127, OMIM 608807.

Allele frequency attached by ClinVar (database versions not stated): TOPMed below 0.00001; gnomAD exomes 0.00001; gnomAD 0.00005 and 0.00003; ExAC 0.00002.
gnomAD v4.1: 30 of 1,572,006 alleles (0.0019%); highest among the groups gnomAD compares: East Asian, 0.011%; no homozygotes.

Submissions (7):

Labcorp Genetics (formerly Invitae), Labcorp
Classification: Likely benign for Dilated cardiomyopathy 1G; Autosomal recessive limb-girdle muscular dystrophy type 2J. Last evaluated: 2026-01-28. Review status: criteria provided, single submitter. Criteria: Invitae Variant Classification Sherloc (09022015). Collection method: clinical testing. Allele origin: germline.

PreventionGenetics, part of Exact Sciences
Classification: Likely benign for TTN-related condition. Last evaluated: 2026-01-21. Review status: criteria provided, single submitter. Criteria: ACMG Guidelines, 2015. Collection method: clinical testing. Allele origin: germline.
Comment: This variant is classified as likely benign based on ACMG/AMP sequence variant interpretation guidelines (Richards et al. 2015 PMID: 25741868, with internal and published modifications).

Blueprint Genetics
Classification: Likely benign. Last evaluated: 2024-10-14. Review status: criteria provided, single submitter. Criteria: ACMG Guidelines, 2015. Collection method: clinical testing. Allele origin: germline.

GeneDx
Classification: Likely benign. Last evaluated: 2021-03-31. Review status: criteria provided, single submitter. Criteria: GeneDx Variant Classification Process June 2021. Collection method: clinical testing. Allele origin: germline. Affected: yes.

ARUP Laboratories, Molecular Genetics and Genomics, ARUP Laboratories
Classification: Likely benign. Last evaluated: 2019-03-01. Review status: criteria provided, single submitter. Criteria: ARUP Molecular Germline Variant Investigation Process. Collection method: clinical testing. Allele origin: germline.

Ambry Genetics
Classification: Likely benign for Cardiovascular phenotype. Last evaluated: 2016-01-06. Review status: criteria provided, single submitter. Criteria: Ambry Variant Classification Scheme 2023. Collection method: clinical testing. Allele origin: germline.

Laboratory for Molecular Medicine, Mass General Brigham Personalized Medicine
Classification: Likely benign. Last evaluated: 2014-05-01. Review status: criteria provided, single submitter. Criteria: LMM Criteria. Collection method: clinical testing. Allele origin: germline. Observed: 1 variant allele.
Comment: Asp30851Asp in exon 306 of TTN: This variant is not expected to have clinical si gnificance because it does not alter an amino acid residue and is not located wi thin the splice consensus sequence.

NM_001267550.2(TTN):c.100257T>C (p.Asp33419=)

Genes: TTN (titin; minus strand), TTN-AS1 (TTN antisense RNA 1; plus strand), LOC126806420 (BRD4-independent group 4 enhancer GRCh37_chr2:179401104-179402303; plus strand). Cytogenetic location: 2q31.2.
Variant type: single nucleotide variant.
Coding change: c.100257T>C on transcript NM_001267550.2 (MANE Select); coding-DNA position 100257, T replaced by C.
Protein change: p.Asp33419=; no amino-acid change (aspartic acid 33419 retained).
Molecular consequence: synonymous variant.
Genome position (GRCh38, 1-based): chr2:178,536,490, A>G on the plus strand (T>C on the coding strand, the complement: TTN is on the minus strand). VCF-style: chr2-178536490-A-G. GRCh37 (hg19) VCF-style: chr2-179401217-A-G.
Other names: c.73437T>C, p.Asp24479= (NM_133432.3); c.73638T>C, p.Asp24546= (NM_133437.4); c.95334T>C, p.Asp31778= (NM_001256850.1); c.73062T>C, p.Asp24354= (NM_003319.4); c.92553T>C, p.Asp30851= (NM_133378.4).
Identifiers: ClinVar variation 179677 (VCV000179677.29), dbSNP rs727505046, ClinGen allele CA184910.